The following is an entry in ClinVar:

NM_005660.3(SLC35A2):c.746_775del (p.Gly249_Val258del)

Gene: SLC35A2 (solute carrier family 35 member A2; minus strand). Cytogenetic location: Xp11.23.
Variant type: Deletion.
Coding change: c.746_775del on transcript NM_005660.3 (MANE Select); coding-DNA positions 746 to 775, 30 bases deleted (GGCTCTGGTGGGCTGAGGGTACCGCCGTGG).
Protein change: p.Gly249_Val258del.
Molecular consequence: intron variant (on NM_001282647.2).
Genome position (GRCh38, 1-based): chrX:48,905,134-48,905,163, CCACGGCGGTACCCTCAGCCCACCAGAGCC deleted on the plus strand (GGCTCTGGTGGGCTGAGGGTACCGCCGTGG on the coding strand, the reverse complement: SLC35A2 is on the minus strand); deleting any 30 consecutive bases within chrX:48,905,134-48,905,167 gives the same sequence; the c. name uses the placement nearest the transcript's 3' end. VCF-style (leftmost placement, unchanged base first): chrX-48905133-GCCACGGCGGTACCCTCAGCCCACCAGAGCC-G. GRCh37 (hg19) VCF-style: chrX-48762410-GCCACGGCGGTACCCTCAGCCCACCAGAGCC-G.
Other names: c.746_775del, p.Gly249_Val258del (NM_001042498.3); c.563_592del, p.Gly188_Val197del (NM_001282649.2); c.785_814del, p.Gly262_Val271del (NM_001282650.2); c.830_859del, p.Gly277_Val286del (NM_001282651.2); c.427-271_427-242del (NM_001282647.2, NM_001032289.3); c.355-271_355-242del (NM_001282648.2).
Identifiers: ClinVar variation 4884605 (VCV004884605.1).
Genomic context (GRCh38, chrX:48,905,133, plus strand): 5'-GCCTGGTTGAGCACCACGCCCCAGACAGCAGGTGTGTACCCAAAAAAGAAACCACGGGTG[GCCACGGCGGTACCCTCAGCCCACCAGAGCC>G]CCACCAGGCCCAGTGCTGTGCCGAAGAGGCCCAGTTGCAGGTTGCGCAGCCACACGGAGC-3'

ClinVar aggregate classification (germline): Likely pathogenic (1 of 4 stars; one submission).

Conditions:
Chromosome 1p36 deletion syndrome, proximal. Identifiers: MedGen C5562114, MONDO:0859155, OMIM 619343.

Submission:

Human Genome Lab, NIMHANS, National Institute of Mental Health and Neuro Sciences
Classification: Likely pathogenic for Chromosome 1p36 deletion syndrome, proximal. Last evaluated: 2024-12-12. Review status: criteria provided, single submitter. Criteria: ACMG Guidelines, 2015. Collection method: clinical testing. Allele origin: somatic. Affected: yes.
Comment: The in-frame deletion NM_001042498.3(SLC35A2):c.746_775del(p.G249_V258del) is not observed in the large population cohorts of 1kG All, TopMed All, or gnomAD4-Joint-Variant Frequencies. This variant results in a deletion of 10 amino acid residues starting at 249. The p.Gly249_Val258del variant is not in a repeat region. The p.Gly249_Val258del variant results in a deletion of 30 bases that are predicted conserved by GERP++ and PhyloP. The nucleotide c.746 in SLC35A2 is predicted conserved by GERP++ and PhyloP across 100 vertebrates. (ACMG criteria - PM2 PM4 PP3 PP4)